The following is an entry in ClinVar:

ClinVar aggregate classification (germline): Likely pathogenic (1 of 4 stars; one submission).

Conditions:
Autosomal recessive polycystic kidney disease (ARPKD). Also called: AR polycystic kidney disease. Identifiers: Orphanet 731, Orphanet 8378, MedGen C0085548, MeSH D017044, MONDO:0009889.

Submission:

Labcorp Genetics (formerly Invitae), Labcorp
Classification: Likely pathogenic for Autosomal recessive polycystic kidney disease. Last evaluated: 2021-11-11. Review status: criteria provided, single submitter. Criteria: Invitae Variant Classification Sherloc (09022015). Collection method: clinical testing. Allele origin: germline.
Comment: In summary, the currently available evidence indicates that the variant is pathogenic, but additional data are needed to prove that conclusively. Therefore, this variant has been classified as Likely Pathogenic. Algorithms developed to predict the effect of sequence changes on RNA splicing suggest that this variant may disrupt the consensus splice site. This variant has not been reported in the literature in individuals affected with PKHD1-related conditions. This variant is not present in population databases (gnomAD no frequency). This sequence change affects a donor splice site in intron 43 of the PKHD1 gene. It is expected to disrupt RNA splicing. Variants that disrupt the donor or acceptor splice site typically lead to a loss of protein function (PMID: 16199547), and loss-of-function variants in PKHD1 are known to be pathogenic (PMID: 19940839).

Literature cited by the submitters: PubMed 16199547; PubMed 19940839.

NM_138694.4(PKHD1):c.6996+2del

Gene: PKHD1 (PKHD1 ciliary IPT domain containing fibrocystin/polyductin; minus strand). Cytogenetic location: 6p12.2.
Variant type: Deletion.
Coding change: c.6996+2del on transcript NM_138694.4 (MANE Select); the canonical splice donor site of the intron after coding-DNA position 6996, one base deleted (T; older notation c.6996+2delT).
Molecular consequence: splice donor variant.
Genome position (GRCh38, 1-based): chr6:51,903,595, A deleted on the plus strand (T on the coding strand, the reverse complement: PKHD1 is on the minus strand). VCF-style (leftmost placement, unchanged base first): chr6-51903594-TA-T. GRCh37 (hg19) VCF-style: chr6-51768392-TA-T.
Other names: c.6996+2del (NM_170724.3).
Identifiers: ClinVar variation 1481947 (VCV001481947.6), dbSNP rs2127621751, ClinGen allele CA2573140897.